The following is an entry in ClinVar:

ClinVar aggregate classification (germline): Likely benign. Review status: criteria provided, multiple submitters, no conflicts (2 of 4 stars). 2 submissions from 2 submitters: Likely benign (2). Last evaluated 2023-12-11.

Conditions:
Dilated cardiomyopathy 1G (CMD1G). Identifiers: Orphanet 154, MedGen C1858763, MONDO:0011400, OMIM 604145.
Autosomal recessive limb-girdle muscular dystrophy type 2J (LGMDR10). Also called: Limb-girdle muscular dystrophy, type 2J; MUSCULAR DYSTROPHY, LIMB-GIRDLE, AUTOSOMAL RECESSIVE 10. Identifiers: Orphanet 140922, MedGen C1837342, MONDO:0012127, OMIM 608807.

Allele frequency attached by ClinVar (database versions not stated): gnomAD exomes below 0.00001 and 0.00002; ExAC 0.00001.
gnomAD v4.1: 27 of 1,613,428 alleles (0.0017%); highest among the groups gnomAD compares: Non-Finnish European, 0.0023%; no homozygotes.

Submissions (2):

Labcorp Genetics (formerly Invitae), Labcorp
Classification: Likely benign for Dilated cardiomyopathy 1G; Autosomal recessive limb-girdle muscular dystrophy type 2J. Last evaluated: 2023-12-11. Review status: criteria provided, single submitter. Criteria: Invitae Variant Classification Sherloc (09022015). Collection method: clinical testing. Allele origin: germline.

GeneDx
Classification: Likely benign. Last evaluated: 2017-04-10. Review status: criteria provided, single submitter. Criteria: GeneDx Variant Classification (06012015). Collection method: clinical testing. Allele origin: germline. Affected: yes.
Comment: This variant is considered likely benign or benign based on one or more of the following criteria: it is a conservative change, it occurs at a poorly conserved position in the protein, it is predicted to be benign by multiple in silico algorithms, and/or has population frequency not consistent with disease.

NM_001267550.2(TTN):c.9726G>A (p.Leu3242=)

Gene: TTN (titin; minus strand). Cytogenetic location: 2q31.2.
Variant type: single nucleotide variant.
Coding change: c.9726G>A on transcript NM_001267550.2 (MANE Select); coding-DNA position 9726, G replaced by A.
Protein change: p.Leu3242=; no amino-acid change (leucine 3242 retained).
Molecular consequence: synonymous variant.
Genome position (GRCh38, 1-based): chr2:178,764,789, C>T on the plus strand (G>A on the coding strand, the complement: TTN is on the minus strand). VCF-style: chr2-178764789-C-T. GRCh37 (hg19) VCF-style: chr2-179629516-C-T.
Other names: c.9588G>A, p.Leu3196= (NM_003319.4, NM_133432.3, NM_133437.4); c.9726G>A, p.Leu3242= (NM_133378.4, NM_133379.5, NM_001256850.1).
Identifiers: ClinVar variation 508947 (VCV000508947.4), dbSNP rs755986577, ClinGen allele CA2004246.